The following is an entry in ClinVar:

ClinVar aggregate classification (germline): Uncertain significance (1 of 4 stars; one submission).

Allele frequency attached by ClinVar (database versions not stated): gnomAD exomes below 0.00001; gnomAD 0.00001; TOPMed 0.00001.
gnomAD v4.1: 3 of 1,613,344 alleles (0.00019%); highest among the groups gnomAD compares: African/African-American, 0.0013%; no homozygotes.

Submission:

Labcorp Genetics (formerly Invitae), Labcorp
Classification: Uncertain significance. Last evaluated: 2023-07-17. Review status: criteria provided, single submitter. Criteria: Invitae Variant Classification Sherloc (09022015). Collection method: clinical testing. Allele origin: germline.
Comment: In summary, the available evidence is currently insufficient to determine the role of this variant in disease. Therefore, it has been classified as a Variant of Uncertain Significance. Advanced modeling of protein sequence and biophysical properties (such as structural, functional, and spatial information, amino acid conservation, physicochemical variation, residue mobility, and thermodynamic stability) performed at Invitae indicates that this missense variant is not expected to disrupt TBCK protein function. ClinVar contains an entry for this variant (Variation ID: 1362875). This variant has not been reported in the literature in individuals affected with TBCK-related conditions. This variant is not present in population databases (gnomAD no frequency). This sequence change replaces glutamine, which is neutral and polar, with arginine, which is basic and polar, at codon 664 of the TBCK protein (p.Gln664Arg).

NM_001163435.3(TBCK):c.1991A>G (p.Gln664Arg)

Gene: TBCK (TBC1 domain containing kinase; minus strand). Cytogenetic location: 4q24.
Variant type: single nucleotide variant.
Coding change: c.1991A>G on transcript NM_001163435.3 (MANE Select); coding-DNA position 1991, A replaced by G.
Protein change: p.Gln664Arg; replaces glutamine 664 with arginine.
Molecular consequence: missense variant.
Genome position (GRCh38, 1-based): chr4:106,193,677, T>C on the plus strand (A>G on the coding strand, the complement: TBCK is on the minus strand). VCF-style: chr4-106193677-T-C. GRCh37 (hg19) VCF-style: chr4-107114834-T-C.
Other names: c.1991A>G, p.Gln664Arg (NM_001163436.4); c.1874A>G, p.Gln625Arg (NM_001163437.3); c.1475A>G, p.Gln492Arg (NM_001290768.2); c.1802A>G, p.Gln601Arg (NM_033115.5); short protein forms Q625R, Q492R, Q601R, Q664R.
Identifiers: ClinVar variation 1362875 (VCV001362875.6), dbSNP rs896700249, ClinGen allele CA102809841.